The following is an entry in ClinVar:

ClinVar aggregate classification (germline): Uncertain significance (1 of 4 stars; one submission).

Conditions:
PURA-related severe neonatal hypotonia-seizures-encephalopathy syndrome (NEDRIHF). Also called: NEURODEVELOPMENTAL DISORDER WITH NEONATAL RESPIRATORY INSUFFICIENCY, HYPOTONIA, AND FEEDING DIFFICULTIES; PURA-Related Neurodevelopmental Disorders. Identifiers: Orphanet 438213, Orphanet 438216, MedGen C4015357, MONDO:1060108, OMIM 616158, MONDO:0018580.

Submission:

Labcorp Genetics (formerly Invitae), Labcorp
Classification: Uncertain significance for PURA-related severe neonatal hypotonia-seizures-encephalopathy syndrome. Last evaluated: 2022-10-08. Review status: criteria provided, single submitter. Criteria: Invitae Variant Classification Sherloc (09022015). Collection method: clinical testing. Allele origin: germline.
Comment: This sequence change affects codon 18 of the PURA mRNA. It is a 'silent' change, meaning that it does not change the encoded amino acid sequence of the PURA protein. The frequency data for this variant in the population databases is considered unreliable, as metrics indicate insufficient coverage at this position in the gnomAD database. This variant has not been reported in the literature in individuals affected with PURA-related conditions. In summary, the available evidence is currently insufficient to determine the role of this variant in disease. Therefore, it has been classified as a Variant of Uncertain Significance.

NM_005859.5(PURA):c.54C>T (p.Gly18=)

Gene: PURA (purine rich element binding protein A; plus strand). Cytogenetic location: 5q31.3.
Variant type: single nucleotide variant.
Coding change: c.54C>T on transcript NM_005859.5 (MANE Select); coding-DNA position 54, C replaced by T.
Protein change: p.Gly18=; no amino-acid change (glycine 18 retained).
Molecular consequence: synonymous variant.
Genome position (GRCh38, 1-based): chr5:140,114,235, C>T. VCF-style: chr5-140114235-C-T. GRCh37 (hg19) VCF-style: chr5-139493820-C-T.
Identifiers: ClinVar variation 2132709 (VCV002132709.4), dbSNP rs2479503806, ClinGen allele CA446758297.